The following is an entry in ClinVar:

NM_000529.2(MC2R):c.*1619G>A

Gene: MC2R (melanocortin 2 receptor; minus strand). Cytogenetic location: 18p11.21.
Variant type: single nucleotide variant.
Coding change: c.*1619G>A on transcript NM_000529.2 (MANE Select); 1619 bases downstream of the stop codon, G replaced by A.
Molecular consequence: 3 prime UTR variant.
Genome position (GRCh38, 1-based): chr18:13,883,006, C>T on the plus strand (G>A on the coding strand, the complement: MC2R is on the minus strand). VCF-style: chr18-13883006-C-T. GRCh37 (hg19) VCF-style: chr18-13883005-C-T.
Other names: c.*1619G>A (NM_001291911.1).
Identifiers: ClinVar variation 326137 (VCV000326137.5), dbSNP rs570920789, ClinGen allele CA10651379.

ClinVar aggregate classification (germline): Likely benign (1 of 4 stars; one submission).

Conditions:
Glucocorticoid deficiency 1 (GCCD1). Also called: FAMILIAL GLUCOCORTICOID DEFICIENCY 1; Adrenal unresponsiveness to acth; Glucocorticoid deficiency, due to ACTH unresponsiveness. Identifiers: Orphanet 361, MedGen C4049650, MONDO:0024536, OMIM 202200.

Allele frequency attached by ClinVar (database versions not stated): gnomAD 0.00009; TOPMed 0.00037; 1000 Genomes Project 0.00040; 1000 Genomes Project 30x 0.00047.

Submission:

Illumina Laboratory Services, Illumina
Classification: Likely benign for Glucocorticoid deficiency 1. Last evaluated: 2018-01-12. Review status: criteria provided, single submitter. Criteria: ICSL Variant Classification Criteria 13 December 2019. Collection method: clinical testing. Allele origin: germline.
Comment: This variant was observed in the ICSL laboratory as part of a predisposition screen in an ostensibly healthy population. It had not been previously curated by ICSL or reported in the Human Gene Mutation Database (HGMD: prior to June 1st, 2018), and was therefore a candidate for classification through an automated scoring system. Utilizing variant allele frequency, disease prevalence and penetrance estimates, and inheritance mode, an automated score was calculated to assess if this variant is too frequent to cause the disease. Based on the score and internal cut-off values, a variant classified as likely benign is not then subjected to further curation. The score for this variant resulted in a classification of likely benign for this disease.